The following is an entry in ClinVar:

NM_003108.4(SOX11):c.294C>G (p.Phe98Leu)

Gene: SOX11 (SRY-box transcription factor 11; plus strand). Cytogenetic location: 2p25.2.
Variant type: single nucleotide variant.
Coding change: c.294C>G on transcript NM_003108.4 (MANE Select); coding-DNA position 294, C replaced by G.
Protein change: p.Phe98Leu; replaces phenylalanine 98 with leucine.
Molecular consequence: missense variant.
Genome position (GRCh38, 1-based): chr2:5,693,015, C>G. VCF-style: chr2-5693015-C-G. GRCh37 (hg19) VCF-style: chr2-5833147-C-G.
Other names: short protein forms F98L.
Identifiers: ClinVar variation 2443019 (VCV002443019.1), dbSNP rs1409257886, ClinGen allele CA345866395.

ClinVar aggregate classification (germline): Uncertain significance (1 of 4 stars; one submission).

Conditions:
Intellectual developmental disorder with microcephaly and with or without ocular malformations or hypogonadotropic hypogonadism. Also called: Intellectual disability, autosomal dominant 27; Coffin-Siris Syndrome 9. Identifiers: Orphanet 1465, MedGen C4014528, MONDO:0014376, OMIM 615866.

Submission:

SIB Swiss Institute of Bioinformatics
Classification: Uncertain significance for Intellectual developmental disorder with microcephaly and with or without ocular malformations or hypogonadotropic hypogonadism. Last evaluated: 2023-03-09. Review status: criteria provided, single submitter. Criteria: ACMG Guidelines, 2015. Collection method: curation. Allele origin: unknown.
Comment: This variant is interpreted as a variant of uncertain significance for Intellectual developmental disorder with microcephaly and with or without ocular malformations or hypogonadotropic hypogonadism, autosomal dominant. The following ACMG Tag(s) were applied: Absent from controls (or at extremely low frequency if recessive) in Exome Sequencing Project, 1000 Genomes Project, or Exome Aggregation Consortium (PM2); Located in a mutational hot spot and/or critical and well-established functional domain (e.g., active site of an enzyme) without benign variation (PM1); Multiple lines of computational evidence support a deleterious effect on the gene or gene product (PP3).

Literature cited by the submitters: PubMed 35341651.